The following is an entry in ClinVar:

NM_001142800.2(EYS):c.4108C>T (p.His1370Tyr)

Gene: EYS (EGF-like photoreceptor maintenance factor; minus strand). Cytogenetic location: 6q12.
Variant type: single nucleotide variant.
Coding change: c.4108C>T on transcript NM_001142800.2 (MANE Select); coding-DNA position 4108, C replaced by T.
Protein change: p.His1370Tyr; replaces histidine 1370 with tyrosine.
Molecular consequence: missense variant.
Genome position (GRCh38, 1-based): chr6:64,591,759, G>A on the plus strand (C>T on the coding strand, the complement: EYS is on the minus strand). VCF-style: chr6-64591759-G-A. GRCh37 (hg19) VCF-style: chr6-65301652-G-A.
Other names: c.4108C>T, p.His1370Tyr (NM_001292009.2); c.4108C>T (NM_001142800.1); short protein forms H1370Y.
Identifiers: ClinVar variation 990038 (VCV000990038.6), dbSNP rs1381744132, ClinGen allele CA364784028.

ClinVar aggregate classification (germline): Uncertain significance. Review status: criteria provided, multiple submitters, no conflicts (2 of 4 stars). 4 submissions from 4 submitters: Uncertain significance (3). 1 of the submissions does not count toward it. Last evaluated 2025-05-01.

Conditions:
Inborn genetic diseases. Identifiers: MedGen C0950123, MeSH D030342.
Autosomal recessive retinitis pigmentosa. Identifiers: MedGen C0339526.

Allele frequency attached by ClinVar (database versions not stated): gnomAD exomes 0.00003; TOPMed 0.00003; gnomAD 0.00004.
gnomAD v4.1: 27 of 1,551,264 alleles (0.0017%); highest among the groups gnomAD compares: Admixed American, 0.0078%; no homozygotes.

Submissions (4):

Ambry Genetics
Classification: Uncertain significance for Inborn genetic diseases. Last evaluated: 2025-05-01. Review status: criteria provided, single submitter. Criteria: Ambry Variant Classification Scheme 2023. Collection method: clinical testing. Allele origin: germline.

Blueprint Genetics
Classification: Uncertain significance. Last evaluated: 2024-09-02. Review status: criteria provided, single submitter. Criteria: ACMG Guidelines, 2015. Collection method: clinical testing. Allele origin: germline.

Labcorp Genetics (formerly Invitae), Labcorp
Classification: Uncertain significance. Last evaluated: 2022-08-16. Review status: criteria provided, single submitter. Criteria: Invitae Variant Classification Sherloc (09022015). Collection method: clinical testing. Allele origin: germline.
Comment: This sequence change replaces histidine, which is basic and polar, with tyrosine, which is neutral and polar, at codon 1370 of the EYS protein (p.His1370Tyr). This variant is present in population databases (no rsID available, gnomAD 0.004%). This variant has not been reported in the literature in individuals affected with EYS-related conditions. ClinVar contains an entry for this variant (Variation ID: 990038). Algorithms developed to predict the effect of missense changes on protein structure and function output the following: SIFT: "Tolerated"; PolyPhen-2: "Benign"; Align-GVGD: "Class C0". The tyrosine amino acid residue is found in multiple mammalian species, which suggests that this missense change does not adversely affect protein function. In summary, the available evidence is currently insufficient to determine the role of this variant in disease. Therefore, it has been classified as a Variant of Uncertain Significance.

Natera, Inc.
Classification: Uncertain significance for Autosomal recessive retinitis pigmentosa. Last evaluated: 2020-08-20. Review status: no assertion criteria provided. Collection method: clinical testing. Allele origin: germline. Not counted in ClinVar's aggregate classification.